The following is an entry in ClinVar:

ClinVar aggregate classification (germline): Benign. Review status: criteria provided, multiple submitters, no conflicts (2 of 4 stars). 4 submissions from 4 submitters: Benign (3). 1 of the submissions does not count toward it. Last evaluated 2026-01-17.

Conditions:
CTDP1-related disorder. Also called: CTDP1-related condition.

Allele frequency attached by ClinVar (database versions not stated): ESP Exome Variant Server 0.00046; TOPMed 0.00158; gnomAD 0.00184 and 0.00240; gnomAD exomes 0.00191 and 0.00395; ExAC 0.00403; 1000 Genomes Project 30x 0.00671; 1000 Genomes Project 0.00819.
gnomAD v4.1: 3,232 of 1,613,722 alleles (0.2%); highest among the groups gnomAD compares: East Asian, 4.5%; 68 homozygotes.

Submissions (4):

Labcorp Genetics (formerly Invitae), Labcorp
Classification: Benign. Last evaluated: 2026-01-17. Review status: criteria provided, single submitter. Criteria: Invitae Variant Classification Sherloc (09022015). Collection method: clinical testing. Allele origin: germline.

Mayo Clinic Laboratories, Mayo Clinic
Classification: Benign. Last evaluated: 2020-03-17. Review status: criteria provided, single submitter. Criteria: ACMG Guidelines, 2015. Collection method: clinical testing. Allele origin: germline. Observed: 6 variant alleles.

Breakthrough Genomics
Classification: Benign. Review status: criteria provided, single submitter. Criteria: ACMG Guidelines, 2015. Collection method: not provided. Allele origin: germline. Inheritance: Autosomal recessive inheritance. Affected: yes.

PreventionGenetics, part of Exact Sciences
Classification: Benign for CTDP1-related condition. Last evaluated: 2020-03-02. Review status: no assertion criteria provided. Collection method: clinical testing. Allele origin: germline. Not counted in ClinVar's aggregate classification.
Comment: This variant is classified as benign based on ACMG/AMP sequence variant interpretation guidelines (Richards et al. 2015 PMID: 25741868, with internal and published modifications).

NM_004715.5(CTDP1):c.2223T>C (p.Pro741=)

Gene: CTDP1 (CTD phosphatase subunit 1; plus strand). Cytogenetic location: 18q23.
Variant type: single nucleotide variant.
Coding change: c.2223T>C on transcript NM_004715.5 (MANE Select); coding-DNA position 2223, T replaced by C.
Protein change: p.Pro741=; no amino-acid change (proline 741 retained).
Molecular consequence: synonymous variant.
Genome position (GRCh38, 1-based): chr18:79,717,822, T>C. VCF-style: chr18-79717822-T-C. GRCh37 (hg19) VCF-style: chr18-77477822-T-C.
Other names: p.Pro741=; c.1866T>C, p.Pro622= (NM_001202504.1); c.2223T>C, p.Pro741= (NM_001318511.2, NM_048368.4).
Identifiers: ClinVar variation 782920 (VCV000782920.14), dbSNP rs77320492, ClinGen allele CA9010523.